The following is an entry in ClinVar:

NM_201596.3(CACNB2):c.805-4G>A

Gene: CACNB2 (calcium voltage-gated channel auxiliary subunit beta 2; plus strand). Cytogenetic location: 10p12.31.
Variant type: single nucleotide variant.
Coding change: c.805-4G>A on transcript NM_201596.3 (MANE Select); 4 bases into the intron before coding-DNA position 805, G replaced by A.
Molecular consequence: intron variant.
Genome position (GRCh38, 1-based): chr10:18,518,332, G>A. VCF-style: chr10-18518332-G-A. GRCh37 (hg19) VCF-style: chr10-18807261-G-A.
Other names: c.721-4G>A (NM_201571.4); c.607-4G>A (NM_001167945.2); c.649-4G>A (NM_201572.4); c.691-4G>A (NM_201593.3); c.733-4G>A (NM_201597.3); c.640-4G>A (NM_000724.4); c.526-4G>A (NM_001330060.2); c.643-4G>A (NM_201590.3); and 1 more.
Identifiers: ClinVar variation 299557 (VCV000299557.9), dbSNP rs200654601, ClinGen allele CA5429791.
Genomic context (GRCh38, chr10:18,518,332, plus strand): 5'-ATACACAAAATATTTATGTTCTACCTGCCTGTGAAACGTCTAAAAGCCTCTCCTCTCTCT[G>A]CAGACAGAGCACACTCCTCCGTATGATGTGGTACCTTCCATGCGACCAGTGGTCCTAGTG-3'

ClinVar aggregate classification (germline): Benign/Likely benign. Review status: criteria provided, multiple submitters, no conflicts (2 of 4 stars). 3 submissions from 3 submitters: Benign (1); Likely benign (2). Last evaluated 2025-01-22.

Conditions:
Cardiovascular phenotype. Identifiers: MedGen CN230736.
Brugada syndrome 4 (BRGDA4). Identifiers: Orphanet 130, MedGen C2678477, MONDO:0012743, OMIM 611876.

Allele frequency attached by ClinVar (database versions not stated): TOPMed below 0.00001; gnomAD 0.00001 and 0.00002; gnomAD exomes 0.00001 and 0.00005; ExAC 0.00002; 1000 Genomes Project 30x 0.00016; 1000 Genomes Project 0.00020.
gnomAD v4.1: 21 of 1,607,810 alleles (0.0013%); highest among the groups gnomAD compares: East Asian, 0.045%; no homozygotes.

Submissions (3):

Labcorp Genetics (formerly Invitae), Labcorp
Classification: Likely benign for Brugada syndrome 4. Last evaluated: 2025-01-22. Review status: criteria provided, single submitter. Criteria: Invitae Variant Classification Sherloc (09022015). Collection method: clinical testing. Allele origin: germline.

Ambry Genetics
Classification: Benign for Cardiovascular phenotype. Last evaluated: 2024-09-04. Review status: criteria provided, single submitter. Criteria: Ambry Variant Classification Scheme 2023. Collection method: clinical testing. Allele origin: germline.

GeneDx
Classification: Likely benign. Last evaluated: 2018-04-10. Review status: criteria provided, single submitter. Criteria: GeneDx Variant Classification (06012015). Collection method: clinical testing. Allele origin: germline. Affected: yes.
Comment: This variant is considered likely benign or benign based on one or more of the following criteria: it is a conservative change, it occurs at a poorly conserved position in the protein, it is predicted to be benign by multiple in silico algorithms, and/or has population frequency not consistent with disease.